The following is an entry in ClinVar:

ClinVar aggregate classification (germline): Pathogenic. Review status: criteria provided, multiple submitters, no conflicts (2 of 4 stars). 2 submissions from 2 submitters: Pathogenic (2). Last evaluated 2022-04-29.

Conditions:
Juvenile polyposis syndrome (JPS). Identifiers: Orphanet 2929, MedGen C0345893, MONDO:0017380, OMIM 174900.
Hereditary cancer-predisposing syndrome. Also called: Hereditary neoplastic syndrome; Neoplastic Syndromes, Hereditary; Hereditary Cancer Syndrome; Tumor predisposition. Identifiers: Orphanet 140162, MedGen C0027672, MeSH D009386, MONDO:0015356.

Submissions (2):

Labcorp Genetics (formerly Invitae), Labcorp
Classification: Pathogenic for Juvenile polyposis syndrome. Last evaluated: 2022-04-29. Review status: criteria provided, single submitter. Criteria: Invitae Variant Classification Sherloc (09022015). Collection method: clinical testing. Allele origin: germline.
Comment: This sequence change creates a premature translational stop signal (p.Leu225Trpfs*36) in the BMPR1A gene. It is expected to result in an absent or disrupted protein product. Loss-of-function variants in BMPR1A are known to be pathogenic (PMID: 11536076, 12417513). This variant is not present in population databases (gnomAD no frequency). This premature translational stop signal has been observed in individual(s) with juvenile polyposis (PMID: 15235019). This variant is also known as c.673delT. ClinVar contains an entry for this variant (Variation ID: 572096). For these reasons, this variant has been classified as Pathogenic.

Ambry Genetics
Classification: Pathogenic for Hereditary cancer-predisposing syndrome. Last evaluated: 2022-03-23. Review status: criteria provided, single submitter. Criteria: Ambry Variant Classification Scheme 2023. Collection method: clinical testing. Allele origin: germline.
Comment: The c.674delT pathogenic mutation, located in coding exon 6 of the BMPR1A gene, results from a deletion of one nucleotide at nucleotide position 674, causing a translational frameshift with a predicted alternate stop codon (p.L225Wfs*36). This alteration, also described as 673delT, has been reported in individuals with a clinical diagnosis of juvenile polyposis syndrome (JPS) (Howe JR et al. J Med Genet, 2004 Jul;41:484-91; Pyatt RE et al. J Mol Diagn, 2006 Feb;8:84-8). This variant is considered to be rare based on population cohorts in the Genome Aggregation Database (gnomAD). In addition to the clinical data presented in the literature, this alteration is expected to result in loss of function by premature protein truncation or nonsense-mediated mRNA decay. As such, this alteration is interpreted as a disease-causing mutation.

Literature cited by the submitters: PubMed 11536076 (cited by Labcorp Genetics (formerly Invitae), Labcorp); PubMed 12417513 (cited by Labcorp Genetics (formerly Invitae), Labcorp); PubMed 15235019 (cited by Labcorp Genetics (formerly Invitae), Labcorp and Ambry Genetics); PubMed 16436638 (cited by Ambry Genetics).

NM_004329.3(BMPR1A):c.674del (p.Leu225fs)

Gene: BMPR1A (bone morphogenetic protein receptor type 1A; plus strand). Cytogenetic location: 10q23.2.
Variant type: Deletion.
Coding change: c.674del on transcript NM_004329.3 (MANE Select); coding-DNA position 674, one base deleted (T; older notation c.674delT).
Protein change: p.Leu225fs; shifts the reading frame from leucine 225.
Molecular consequence: frameshift variant.
Genome position (GRCh38, 1-based): chr10:86,912,383, T deleted; the last of 2 consecutive T bases (chr10:86,912,382-86,912,383); deleting either gives the same sequence. VCF-style (leftmost placement, unchanged base first): chr10-86912381-AT-A. GRCh37 (hg19) VCF-style: chr10-88672138-AT-A.
Other names: c.674delT (NM_004329.2); short protein forms L225fs.
Identifiers: ClinVar variation 572096 (VCV000572096.12), dbSNP rs1564722014, ClinGen allele CA891843412.